The following is an entry in ClinVar:

NM_014704.4(CEP104):c.2439C>T (p.Tyr813=)

Gene: CEP104 (centrosomal protein 104; minus strand). Cytogenetic location: 1p36.32.
Variant type: single nucleotide variant.
Coding change: c.2439C>T on transcript NM_014704.4 (MANE Select); coding-DNA position 2439, C replaced by T.
Protein change: p.Tyr813=; no amino-acid change (tyrosine 813 retained).
Molecular consequence: synonymous variant.
Genome position (GRCh38, 1-based): chr1:3,823,488, G>A on the plus strand (C>T on the coding strand, the complement: CEP104 is on the minus strand). VCF-style: chr1-3823488-G-A. GRCh37 (hg19) VCF-style: chr1-3740052-G-A.
Identifiers: ClinVar variation 1183452 (VCV001183452.10), dbSNP rs78228821, ClinGen allele CA551294.

ClinVar aggregate classification (germline): Likely benign. Review status: criteria provided, multiple submitters, no conflicts (2 of 4 stars). 4 submissions from 4 submitters: Likely benign (3). 1 of the submissions does not count toward it. Last evaluated 2026-01-17.

Conditions:
Joubert syndrome 25 (JBTS25). Identifiers: Orphanet 475, MedGen C4084842, MONDO:0014770, OMIM 616781.
CEP104-related disorder. Also called: CEP104-related condition.

Allele frequency attached by ClinVar (database versions not stated): gnomAD exomes 0.00003 and 0.00012; ExAC 0.00019; gnomAD 0.00046; TOPMed 0.00046; ESP Exome Variant Server 0.00069; 1000 Genomes Project 30x 0.00078; 1000 Genomes Project 0.00080.

Submissions (4):

Labcorp Genetics (formerly Invitae), Labcorp
Classification: Likely benign for Joubert syndrome 25. Last evaluated: 2026-01-17. Review status: criteria provided, single submitter. Criteria: Invitae Variant Classification Sherloc (09022015). Collection method: clinical testing. Allele origin: germline.

Blueprint Genetics
Classification: Likely benign. Last evaluated: 2024-05-28. Review status: criteria provided, single submitter. Criteria: ACMG Guidelines, 2015. Collection method: clinical testing. Allele origin: germline.

GeneDx
Classification: Likely benign. Last evaluated: 2020-04-15. Review status: criteria provided, single submitter. Criteria: GeneDx Variant Classification Process June 2021. Collection method: clinical testing. Allele origin: germline. Affected: yes.

PreventionGenetics, part of Exact Sciences
Classification: Likely benign for CEP104-related condition. Last evaluated: 2019-07-12. Review status: no assertion criteria provided. Collection method: clinical testing. Allele origin: germline. Not counted in ClinVar's aggregate classification.
Comment: This variant is classified as likely benign based on ACMG/AMP sequence variant interpretation guidelines (Richards et al. 2015 PMID: 25741868, with internal and published modifications).